The following is an entry in ClinVar:

NM_015981.4(CAMK2A):c.1351G>T (p.Ala451Ser)

Gene: CAMK2A (calcium/calmodulin dependent protein kinase II alpha; minus strand). Cytogenetic location: 5q32.
Variant type: single nucleotide variant.
Coding change: c.1351G>T on transcript NM_015981.4 (MANE Select); coding-DNA position 1351, G replaced by T.
Protein change: p.Ala451Ser; replaces alanine 451 with serine.
Molecular consequence: missense variant.
Genome position (GRCh38, 1-based): chr5:150,223,104, C>A on the plus strand (G>T on the coding strand, the complement: CAMK2A is on the minus strand). VCF-style: chr5-150223104-C-A. GRCh37 (hg19) VCF-style: chr5-149602667-C-A.
Other names: c.1351G>T, p.Ala451Ser (NM_001363989.1); c.1318G>T, p.Ala440Ser (NM_001363990.1, NM_001369025.2, NM_171825.3); short protein forms A440S, A451S.
Identifiers: ClinVar variation 3339697 (VCV003339697.1).
Genomic context (GRCh38, chr5:150,223,104, plus strand): 5'-CATCCCGGCGGTGCCAGACACGGGTCTCCTCCGACTGGGCGGTGCGTGGGATGCCGCCAG[C>A]GTCCAGGTACTGCGTGATGCGGATGTAGGCGATGCAGGCTGACTCGTCGCCCATCAGGTG-3'
Protein context (NP_057065.2, residues 441-461): AYIRITQYLD[Ala451Ser]GGIPRTAQSE

ClinVar aggregate classification (germline): Uncertain significance (1 of 4 stars; one submission).

gnomAD v4.1: 4 of 1,614,180 alleles (0.00025%); highest among the groups gnomAD compares: Non-Finnish European, 0.00034%; no homozygotes.

Submission:

Women's Health and Genetics/Laboratory Corporation of America, LabCorp
Classification: Uncertain significance. Last evaluated: 2024-06-07. Review status: criteria provided, single submitter. Criteria: LabCorp Variant Classification Summary - May 2015. Collection method: clinical testing. Allele origin: germline.
Comment: Variant summary: CAMK2A c.1351G>T (p.Ala451Ser) results in a conservative amino acid change located in the Calcium/calmodulin-dependent protein kinase II, association-domain (IPR013543) of the encoded protein sequence. Five of five in-silico tools predict a benign effect of the variant on protein function. The variant allele was found at a frequency of 4e-06 in 250014 control chromosomes. The available data on variant occurrences in the general population are insufficient to allow any conclusion about variant significance. To our knowledge, no occurrence of c.1351G>T in individuals affected with Intellectual Disability, Autosomal Dominant 53 and no experimental evidence demonstrating its impact on protein function have been reported. No submitters have cited clinical-significance assessments for this variant to ClinVar. Based on the evidence outlined above, the variant was classified as uncertain significance.